The following is an entry in ClinVar:

NM_015459.5(ATL3):c.1539+1G>A

Genes: ATL3 (atlastin GTPase 3; minus strand), LNCROPM (lncRNA regulator of PLAAT3 mediated phospholipid metabolism; plus strand). Cytogenetic location: 11q13.1.
Variant type: single nucleotide variant.
Coding change: c.1539+1G>A on transcript NM_015459.5 (MANE Select); the canonical splice donor site of the intron after coding-DNA position 1539, G replaced by A.
Molecular consequence: splice donor variant.
Genome position (GRCh38, 1-based): chr11:63,631,039, C>T on the plus strand (G>A on the coding strand, the complement: ATL3 is on the minus strand). VCF-style: chr11-63631039-C-T. GRCh37 (hg19) VCF-style: chr11-63398511-C-T.
Other names: c.1428+1G>A (NM_001440720.1); c.1485+1G>A (NM_001290048.2); c.1326+1G>A (NM_001440722.1); c.1383+1G>A (NM_001440721.1); c.1434+1G>A (NM_001440719.1); c.1488+1G>A (NM_001440716.1); c.1482+1G>A (NM_001440717.1); c.1467+1G>A (NM_001440718.1).
Identifiers: ClinVar variation 4719835 (VCV004719835.1).

ClinVar aggregate classification (germline): Uncertain significance (1 of 4 stars; one submission).

Conditions:
Neuropathy, hereditary sensory, type 1F. Also called: Hereditary sensory neuropathy type IF; HSN IF. Identifiers: Orphanet 36386, MedGen C3810194, MONDO:0014286, OMIM 615632.

Submission:

Labcorp Genetics (formerly Invitae), Labcorp
Classification: Uncertain significance for Neuropathy, hereditary sensory, type 1F. Last evaluated: 2025-05-19. Review status: criteria provided, single submitter. Criteria: Invitae Variant Classification Sherloc (09022015). Collection method: clinical testing. Allele origin: germline.
Comment: This sequence change falls in intron 12 of the ATL3 gene. It does not directly change the encoded amino acid sequence of the ATL3 protein. It affects a nucleotide within the consensus splice site. This variant is not present in population databases (gnomAD no frequency). This variant has not been reported in the literature in individuals affected with ATL3-related conditions. Variants that disrupt the consensus splice site are a relatively common cause of aberrant splicing (PMID: 17576681, 9536098). Algorithms developed to predict the effect of sequence changes on RNA splicing suggest that this variant may disrupt the consensus splice site. In summary, the available evidence is currently insufficient to determine the role of this variant in disease. Therefore, it has been classified as a Variant of Uncertain Significance.

Literature cited by the submitters: PubMed 17576681; PubMed 9536098.